The following is an entry in ClinVar:

NM_000245.4(MET):c.2342A>C (p.Glu781Ala)

Gene: MET (MET proto-oncogene, receptor tyrosine kinase; plus strand). Cytogenetic location: 7q31.2.
Variant type: single nucleotide variant.
Coding change: c.2342A>C on transcript NM_000245.4 (MANE Select); coding-DNA position 2342, A replaced by C.
Protein change: p.Glu781Ala; replaces glutamic acid 781 with alanine.
Molecular consequence: missense variant.
Genome position (GRCh38, 1-based): chr7:116,759,468, A>C. VCF-style: chr7-116759468-A-C. GRCh37 (hg19) VCF-style: chr7-116399522-A-C.
Other names: c.2396A>C, p.Glu799Ala (NM_001127500.3); c.2342A>C, p.Glu781Ala (NM_001324401.3); c.1052A>C, p.Glu351Ala (NM_001324402.2); c.2396A>C (NM_001127500.2); short protein forms E799A, E781A, E351A.
Identifiers: ClinVar variation 659496 (VCV000659496.18), dbSNP rs771231484, ClinGen allele CA4448456.

ClinVar aggregate classification (germline): Conflicting classifications of pathogenicity. Review status: criteria provided, conflicting classifications (1 of 4 stars). 5 submissions from 5 submitters: Uncertain significance (3); Likely benign (2). Last evaluated 2025-12-05.

Conditions:
MET-related disorder. Also called: MET-related condition.
Autosomal recessive nonsyndromic hearing loss 97. Also called: Deafness, autosomal recessive 97. Identifiers: Orphanet 90636, MedGen C4084709, MONDO:0014739, OMIM 616705.
Renal cell carcinoma. Identifiers: Orphanet 217071, MedGen C0007134, MeSH D002292, MONDO:0005086, HP:0005584.
Hereditary cancer-predisposing syndrome. Also called: Tumor predisposition; Hereditary neoplastic syndrome; Hereditary Cancer Syndrome; Neoplastic Syndromes, Hereditary. Identifiers: Orphanet 140162, MedGen C0027672, MeSH D009386, MONDO:0015356.

Allele frequency attached by ClinVar (database versions not stated): gnomAD exomes below 0.00001 and 0.00001; ExAC 0.00001; gnomAD 0.00004; TOPMed 0.00005.
gnomAD v4.1: 9 of 1,613,582 alleles (0.00056%); highest among the groups gnomAD compares: African/African-American, 0.012%; no homozygotes.

Submissions (5):

PreventionGenetics, part of Exact Sciences
Classification: Uncertain significance for MET-related condition. Last evaluated: 2025-12-05. Review status: criteria provided, single submitter. Criteria: ACMG Guidelines, 2015. Collection method: clinical testing. Allele origin: germline.
Comment: The MET c.2396A>C variant is predicted to result in the amino acid substitution p.Glu799Ala. To our knowledge, this variant has not been reported in the literature. This variant is reported in 0.019% of alleles in individuals of African descent in gnomAD. At this time, the clinical significance of this variant is uncertain due to the absence of conclusive functional and genetic evidence.

Labcorp Genetics (formerly Invitae), Labcorp
Classification: Likely benign for Renal cell carcinoma. Last evaluated: 2025-08-28. Review status: criteria provided, single submitter. Criteria: Invitae Variant Classification Sherloc (09022015). Collection method: clinical testing. Allele origin: germline.

Ambry Genetics
Classification: Likely benign for Hereditary cancer-predisposing syndrome. Last evaluated: 2024-01-17. Review status: criteria provided, single submitter. Criteria: Ambry Variant Classification Scheme 2023. Collection method: clinical testing. Allele origin: germline.

Baylor Genetics
Classification: Uncertain significance for Autosomal recessive nonsyndromic hearing loss 97. Last evaluated: 2023-11-03. Review status: criteria provided, single submitter. Criteria: ACMG Guidelines, 2015. Collection method: clinical testing. Allele origin: unknown.

GeneDx
Classification: Uncertain significance. Last evaluated: 2023-05-15. Review status: criteria provided, single submitter. Criteria: GeneDx Variant Classification Process June 2021. Collection method: clinical testing. Allele origin: germline. Affected: yes.
Comment: Not observed at significant frequency in large population cohorts (gnomAD); In silico analysis supports that this missense variant does not alter protein structure/function; Has not been previously published as pathogenic or benign to our knowledge